The following is an entry in ClinVar:

NM_020778.5(ALPK3):c.1626del (p.Gln543fs)

Genes: ALPK3 (alpha kinase 3; plus strand), LOC111718493 (skeletal muscle cis-regulatory module overlapping ALPK3; plus strand). Cytogenetic location: 15q25.3.
Variant type: Deletion.
Coding change: c.1626del on transcript NM_020778.5 (MANE Select); coding-DNA position 1626, one base deleted (G; older notation c.1626delG).
Protein change: p.Gln543fs; shifts the reading frame from glutamine 543.
Molecular consequence: frameshift variant.
Genome position (GRCh38, 1-based): chr15:84,840,905, G deleted; the last of 4 consecutive G bases (chr15:84,840,902-84,840,905); deleting any one gives the same sequence. VCF-style (leftmost placement, unchanged base first): chr15-84840901-AG-A. GRCh37 (hg19) VCF-style: chr15-85384132-AG-A.
Other names: c.2232delG (NM_020778.4); short protein forms Q543fs.
Identifiers: ClinVar variation 1455715 (VCV001455715.8), dbSNP rs2141557520, ClinGen allele CA492011883.

ClinVar aggregate classification (germline): Pathogenic. Review status: criteria provided, multiple submitters, no conflicts (2 of 4 stars). 3 submissions from 3 submitters: Pathogenic (3). Last evaluated 2025-12-22.

Conditions:
Cardiomyopathy, familial hypertrophic 27. Identifiers: MedGen C4748014, MONDO:0054838, OMIM 618052.
Cardiovascular phenotype. Identifiers: MedGen CN230736.

Submissions (3):

Variantyx, Inc.
Classification: Pathogenic for Cardiomyopathy, familial hypertrophic 27. Last evaluated: 2025-12-22. Review status: criteria provided, single submitter. Criteria: Variantyx Assertion Criteria 2022. Collection method: clinical testing. Allele origin: germline. Inheritance: Autosomal dominant inheritance. Affected: yes.
Comment: This is a frameshift variant in the ALPK3 gene (OMIM: 617608). Pathogenic variants in this gene have been associated with autosomal dominant familial hypertrophic cardiomyopathy 27. The alteration introduces a premature termination codon in exon 5 out of 14 and is expected to result in loss of function, which is a known disease mechanism for ALPK3 in this disorder (PMID: 21441111, 26846950, 27106955, 34263907) (PVS1). This variant has been reported in at least 2 affected individuals (PMID: 34263907) (PS4) and has a 0.0001% maximum allele frequency in non-founder control populations (PM2). Based on the current evidence, this variant is classified as pathogenic for autosomal dominant familial hypertrophic cardiomyopathy 27.

Ambry Genetics
Classification: Pathogenic for Cardiovascular phenotype. Last evaluated: 2025-08-28. Review status: criteria provided, single submitter. Criteria: Ambry Variant Classification Scheme 2023. Collection method: clinical testing. Allele origin: germline.
Comment: The c.2232delG pathogenic mutation, located in coding exon 5 of the ALPK3 gene, results from a deletion of one nucleotide at nucleotide position 2232, causing a translational frameshift with a predicted alternate stop codon (p.Q745Kfs*29). This variant, also referred to as c.1626delG (p.Q543Kfs*29), was reported in individual(s) with features consistent with hypertrophic cardiomyopathy (HCM) (Lopes LR et al. Eur Heart J, 2021 Aug;42:3063-3073). This variant is considered to be rare based on population cohorts in the Genome Aggregation Database (gnomAD). This alteration is expected to result in loss of function by premature protein truncation or nonsense-mediated mRNA decay. As such, this alteration is interpreted as a disease-causing mutation.

Labcorp Genetics (formerly Invitae), Labcorp
Classification: Pathogenic. Last evaluated: 2025-05-22. Review status: criteria provided, single submitter. Criteria: Invitae Variant Classification Sherloc (09022015). Collection method: clinical testing. Allele origin: germline.
Comment: This sequence change creates a premature translational stop signal (p.Gln745Lysfs*29) in the ALPK3 gene. It is expected to result in an absent or disrupted protein product. Loss-of-function variants in ALPK3 are known to be pathogenic (PMID: 21441111, 26846950, 27106955, 34263907). This variant is not present in population databases (gnomAD no frequency). This variant has not been reported in the literature in individuals affected with ALPK3-related conditions. ClinVar contains an entry for this variant (Variation ID: 1455715). For these reasons, this variant has been classified as Pathogenic.

Literature cited by the submitters: PubMed 21441111 (cited by Variantyx, Inc. and Labcorp Genetics (formerly Invitae), Labcorp); PubMed 26846950 (cited by Variantyx, Inc. and Labcorp Genetics (formerly Invitae), Labcorp); PubMed 27106955 (cited by Variantyx, Inc. and Labcorp Genetics (formerly Invitae), Labcorp); PubMed 34263907 (cited by 3 submitters).